The following is an entry in ClinVar:

ClinVar aggregate classification (germline): Pathogenic. Review status: reviewed by expert panel (3 of 4 stars). 10 submissions from 10 submitters: Pathogenic (1). 9 of the submissions do not count toward it. Last evaluated 2024-10-25.

Conditions:
Type 2 diabetes mellitus. Also called: Type II diabetes mellitus. Identifiers: MedGen C0011860, MeSH D003924, MONDO:0005148, OMIM 125853, HP:0005978.
Maturity-onset diabetes of the young (MODY). Also called: Maturity onset diabetes mellitus in young. Identifiers: Orphanet 552, MedGen C0342276, MONDO:0018911, HP:0004904.
HNF1A-related disorder. Also called: HNF1A-related condition.
Monogenic diabetes. Identifiers: Orphanet 183625, MedGen C3888631, MONDO:0015967.
Diabetes mellitus type 1 (T1D). Also called: Type I diabetes mellitus; Diabetes Mellitus, Juvenile-Onset. Identifiers: MedGen C0011854, MONDO:0005147, OMIM 222100, HP:0100651.
Hepatic adenomas, familial. Also called: HEPATIC ADENOMA, SOMATIC; LIVER CELL ADENOMAS, FAMILIAL. Identifiers: MedGen C1840646, MONDO:0007718, OMIM 142330.
Nonpapillary renal cell carcinoma. Identifiers: Orphanet 422526, MedGen CN074294, MONDO:0007763, OMIM 144700.
Type 1 diabetes mellitus 20 (T1D20). Also called: Diabetes mellitus, insulin-dependent, 20. Identifiers: MedGen C2675866, MONDO:0012919, OMIM 612520.
Maturity-onset diabetes of the young type 3. Also called: MODY type 3; MODY, type III. Identifiers: Orphanet 552, MedGen C1838100, MeSH C563933, MONDO:0010894, OMIM 600496. Disease mechanism: loss of function.

Allele frequency attached by ClinVar (database versions not stated): gnomAD 0.00001.
gnomAD v4.1: 3 of 1,613,892 alleles (0.00019%); highest among the groups gnomAD compares: Non-Finnish European, 0.00025%; no homozygotes.

Submissions (10):

ClinGen Monogenic Diabetes Variant Curation Expert Panel
Classification: Pathogenic for Monogenic diabetes. Last evaluated: 2024-10-25. Review status: reviewed by expert panel. Criteria: ClinGen Diabetes ACMG Specifications HNF1A V2.1.0. Collection method: curation. Allele origin: germline. Inheritance: Autosomal dominant inheritance.
Comment: The c.1556C>T variant in the HNF1 homeobox A gene, HNF1A, causes an amino acid change of proline to leucine at codon 519 (p.(Pro519Leu)) of NM_000545.8. This variant is predicted to be deleterious by computational evidence, with a REVEL score of 0.828, which is greater than the MDEP VCEP threshold of 0.70 (PP3) and is absent from gnomAD v2.1.1 (PM2_Supporting). Additionally, this variant segregated with diabetes, with at least 9 informative meioses in 7 families with MODY (PP1_Strong; PMID: 30293189, internal lab contributors). This variant was identified in 14 unrelated individuals with non- autoimmune and non-absolute/near-absolute insulin-deficient diabetes (PS4; PMIDs: 32238361, 29758564, 30293189, internal lab contributors). This variant was identified in an individual with a clinical history highly specific for HNF1A-MODY (MODY probability calculator result >50%, negative genetic testing for HNF4A, and sulfonylurea-sensitive) (PP4_Moderate; internal lab contributors). In summary, c.1556C>T meets the criteria to be classified as pathogenic for monogenic diabetes. ACMG/AMP criteria applied, as specified by the ClinGen MDEP (specification version 1.1, approved 9/30/21): PM2_Supporting, PP3, PS4, PP4, PP1_Strong.

PreventionGenetics, part of Exact Sciences
Classification: Pathogenic for HNF1A-related condition. Last evaluated: 2025-12-20. Review status: criteria provided, single submitter. Criteria: ACMG Guidelines, 2015. Collection method: clinical testing. Allele origin: germline. Not counted in ClinVar's aggregate classification.
Comment: The HNF1A c.1556C>T variant is predicted to result in the amino acid substitution p.Pro519Leu. This variant has been reported in multiple individuals and families with MODY type III (Frayling et al. 1997. PubMed ID: 9075818; Wang et al. 2018. PubMed ID: 30293189; Kleinberger et al. 2018. PubMed ID: 29758564; Ma et al. 2020. PubMed ID: 32238361; Supplementary Table 4, Colclough et al. 2022. PubMed ID: 34789499; Mirshahi et al. 2022. PubMed ID: 36257325) and has been interpreted as pathogenic by the ClinGen Monogenic Diabetes Variant Curation Expert Panel (Variation ID: 1693221). Functional studies showed decreased protein expression and transcriptional activity with increased binding to histone acetyltransferases and nuclear localization (Althari et al. 2020. PubMed ID: 32910913). This variant has not been reported in a large population database, indicating this variant is rare. This variant is interpreted as pathogenic.

Labcorp Genetics (formerly Invitae), Labcorp
Classification: Pathogenic. Last evaluated: 2025-03-19. Review status: criteria provided, single submitter. Criteria: Invitae Variant Classification Sherloc (09022015). Collection method: clinical testing. Allele origin: germline. Not counted in ClinVar's aggregate classification.
Comment: This sequence change replaces proline, which is neutral and non-polar, with leucine, which is neutral and non-polar, at codon 519 of the HNF1A protein (p.Pro519Leu). This variant is not present in population databases (gnomAD no frequency). This missense change has been observed in individuals with maturity-onset diabetes of the young (PMID: 9075818, 30293189; Internal data). ClinVar contains an entry for this variant (Variation ID: 1693221). Invitae Evidence Modeling of protein sequence and biophysical properties (such as structural, functional, and spatial information, amino acid conservation, physicochemical variation, residue mobility, and thermodynamic stability) indicates that this missense variant is not expected to disrupt HNF1A protein function with a negative predictive value of 80%. Experimental studies have shown that this missense change affects HNF1A function (PMID: 32910913). This variant disrupts the p.Pro519 amino acid residue in HNF1A. Other variant(s) that disrupt this residue have been observed in individuals with HNF1A-related conditions (Internal data), which suggests that this may be a clinically significant amino acid residue. For these reasons, this variant has been classified as Pathogenic.

CeGaT Center for Human Genetics Tuebingen
Classification: Pathogenic. Last evaluated: 2024-12-01. Review status: criteria provided, single submitter. Criteria: CeGaT Center For Human Genetics Tuebingen Variant Classification Criteria Version 2. Collection method: clinical testing. Allele origin: germline. Affected: yes. Observed: 1 variant allele. Not counted in ClinVar's aggregate classification.
Comment: HNF1A: PP1:Strong, PM2, PP4:Moderate, PS4:Moderate, PS3:Supporting

GeneDx
Classification: Pathogenic. Last evaluated: 2024-09-05. Review status: criteria provided, single submitter. Criteria: GeneDx Variant Classification Process June 2021. Collection method: clinical testing. Allele origin: germline. Affected: yes. Not counted in ClinVar's aggregate classification.
Comment: In silico analysis supports that this missense variant has a deleterious effect on protein structure/function; Not observed at significant frequency in large population cohorts (gnomAD); Published functional studies suggest reduced protein expression and a damaging effect on HNF1A functional activity (PMID: 32910913); This variant is associated with the following publications: (PMID: 9075818, 34789499, 36257325, 30293189, 32910913)

ARUP Laboratories, Molecular Genetics and Genomics, ARUP Laboratories
Classification: Likely pathogenic. Last evaluated: 2023-10-10. Review status: criteria provided, single submitter. Criteria: ARUP Molecular Germline Variant Investigation Process 2024. Collection method: clinical testing. Allele origin: germline. Not counted in ClinVar's aggregate classification.
Comment: The HNF1A c.1556C>T; p.Pro519Leu variant (rs749673816) is reported in the literature in several individuals and families affected with MODY (Frayling 1997, Kleinberger 2018, Ma 2020, Mirshahi 2022, Wang 2019). This variant is reported in ClinVar (Variation ID: 1693221) and is absent from the Genome Aggregation Database, indicating it is not a common polymorphism. Computational analyses predict that this variant is deleterious (REVEL: 0.828). Functional analyses of the variant protein show increased binding to histone acetyltransferases and nuclear localization but decreased activity and protein expression (Althari 2020, Soutoglou 2001). Based on available information, this variant is considered to be likely pathogenic. References: Althari S et al. Unsupervised Clustering of Missense Variants in HNF1A Using Multidimensional Functional Data Aids Clinical Interpretation. Am J Hum Genet. 2020 Oct 1;107(4):670-682. PMID: 32910913. Frayling TM et al. Mutations in the hepatocyte nuclear factor-1alpha gene are a common cause of maturity-onset diabetes of the young in the U.K. Diabetes. 1997 Apr;46(4):720-5. PMID: 9075818. Kleinberger JW et al. Monogenic diabetes in overweight and obese youth diagnosed with type 2 diabetes: the TODAY clinical trial. Genet Med. 2018 Jun;20(6):583-590. PMID: 29758564. Ma Y et al. New clinical screening strategy to distinguish HNF1A variant-induced diabetes from young early-onset type 2 diabetes in a Chinese population. BMJ Open Diabetes Res Care. 2020 Mar;8(1):e000745. PMID: 32238361. Mirshahi UL et al. Reduced penetrance of MODY-associated HNF1A/HNF4A variants but not GCK variants in clinically unselected cohorts. Am J Hum Genet. 2022 Nov 3;109(11):2018-2028. PMID: 36257325. Soutoglou E et al. Transcription factor-dependent regulation of CBP and P/CAF histone acetyltransferase activity. EMBO J. 2001 Apr 17;20(8):1984-92. PMID: 11296231. Wang X et al. Screening of HNF1A and HNF4A mutation and clinical phenotype analysis in a large cohort of Chinese patients with maturity-onset diabetes of the young. Acta Diabetol. 2019 Mar;56(3):281-288. PMID: 30293189.

Fulgent Genetics
Classification: Likely pathogenic for Type 2 diabetes mellitus; Hepatic adenomas, familial; Nonpapillary renal cell carcinoma; Diabetes mellitus type 1; Maturity-onset diabetes of the young type 3; Type 1 diabetes mellitus 20. Last evaluated: 2022-01-10. Review status: criteria provided, single submitter. Criteria: ACMG Guidelines, 2015. Collection method: clinical testing. Allele origin: unknown. Not counted in ClinVar's aggregate classification.

Athena Diagnostics
Classification: Likely pathogenic. Last evaluated: 2021-11-04. Review status: criteria provided, single submitter. Criteria: Athena Diagnostics Criteria. Collection method: clinical testing. Allele origin: unknown. Not counted in ClinVar's aggregate classification.
Comment: This variant has not been reported in large, multi-ethnic general populations. This variant has been identified in at least one individual with clinical features associated with this gene. Assessment of experimental evidence suggests this variant results in abnormal protein function. This variant alters expression of target genes (PMID: 11296231, 32910913).

Ambry Genetics
Classification: Uncertain significance for Maturity-onset diabetes of the young. Last evaluated: 2015-08-30. Review status: criteria provided, single submitter. Criteria: Ambry Variant Classification Scheme 2023. Collection method: clinical testing. Allele origin: germline. Not counted in ClinVar's aggregate classification.
Comment: The p.P519L variant (also known as c.1556C>T), located in coding exon 8 of the HNF1A gene, results from a C to T substitution at nucleotide position 1556. The proline at codon 519 is replaced by leucine, an amino acid with similar properties. This variant was detected in a UK MODY3 family (Frayling TM et al, Diabetes 1997 Apr; 46(4):720-5). In cell functional assays, this variant showed a dominant-negative effect on the histone acetyltransferase activity of CBP and p/CAF (Soutoglou E et al, EMBO J. 2001 Apr; 20(8):1984-92). This variant was not reported in population based cohorts in the following databases: Database of Single Nucleotide Polymorphisms (dbSNP), NHLBI Exome Sequencing Project (ESP), and 1000 Genomes Project. In the ESP, this variant was not observed in 6502 samples (13004 alleles) with coverage at this position. This amino acid position is well conserved in available vertebrate species. In addition, this alteration is predicted to be deleterious by in silico analysis. Since supporting evidence is limited at this time, the clinical significance of this variant remains unclear.

Juno Genomics, Hangzhou Juno Genomics, Inc
Classification: Pathogenic for Type 2 diabetes mellitus. Review status: criteria provided, single submitter. Criteria: ACMG Guidelines, 2015. Collection method: clinical testing. Allele origin: germline. Affected: yes. Not counted in ClinVar's aggregate classification.
Comment: Absent from controls (or at extremely low frequency if recessive) in Genome Aggregation Database, Exome Sequencing Project, 1000 Genomes Project, or Exome Aggregation Consortium.;Multiple lines of computational evidence support a deleterious effect on the gene or gene product (conservation, evolutionary, splicing impact, etc).;The prevalence of the variant in affected individuals is significantly increased compared to the prevalence in controls.;Co-segregation with disease in multiple affected family members in a gene definitively known to cause the disease.

Literature cited by the submitters: PubMed 9075818 (cited by 3 submitters); PubMed 30293189 (cited by Labcorp Genetics (formerly Invitae), Labcorp and Athena Diagnostics); PubMed 32910913 (cited by Labcorp Genetics (formerly Invitae), Labcorp and Athena Diagnostics); PubMed 11296231 (cited by Athena Diagnostics and Ambry Genetics); PubMed 32238361 (cited by Athena Diagnostics).

NM_000545.8(HNF1A):c.1556C>T (p.Pro519Leu)

Gene: HNF1A (HNF1 homeobox A; plus strand). Cytogenetic location: 12q24.31.
Variant type: single nucleotide variant.
Coding change: c.1556C>T on transcript NM_000545.8 (MANE Select); coding-DNA position 1556, C replaced by T.
Protein change: p.Pro519Leu; replaces proline 519 with leucine.
Molecular consequence: missense variant.
Genome position (GRCh38, 1-based): chr12:120,999,322, C>T. VCF-style: chr12-120999322-C-T. GRCh37 (hg19) VCF-style: chr12-121437125-C-T.
Other names: NM_001306179.2:c.1556C>T; NM_000545.8(HNF1A):c.1556C>T; p.Pro519Leu; c.1556C>T, p.Pro519Leu (NM_001306179.2); c.1556C>T (NM_000545.6); short protein forms P519L.
Identifiers: ClinVar variation 1693221 (VCV001693221.24), dbSNP rs749673816, ClinGen allele CA386971876.